The following is an entry in ClinVar:

NM_031476.4(CRISPLD2):c.1134A>C (p.Ser378=)

Gene: CRISPLD2 (cysteine rich secretory protein LCCL domain containing 2; plus strand). Cytogenetic location: 16q24.1.
Variant type: single nucleotide variant.
Coding change: c.1134A>C on transcript NM_031476.4 (MANE Select); coding-DNA position 1134, A replaced by C.
Protein change: p.Ser378=; no amino-acid change (serine 378 retained).
Molecular consequence: synonymous variant.
Genome position (GRCh38, 1-based): chr16:84,873,941, A>C. VCF-style: chr16-84873941-A-C. GRCh37 (hg19) VCF-style: chr16-84907547-A-C.
Identifiers: ClinVar variation 4983735 (VCV004983735.1).

ClinVar aggregate classification (germline): Likely benign (1 of 4 stars; one submission).

Conditions:
CRISPLD2-related disorder. Also called: CRISPLD2-related condition.

Submission:

PreventionGenetics, part of Exact Sciences
Classification: Likely benign for CRISPLD2-related condition. Last evaluated: 2025-01-23. Review status: criteria provided, single submitter. Criteria: ACMG Guidelines, 2015. Collection method: clinical testing. Allele origin: germline.
Comment: This variant is classified as likely benign based on ACMG/AMP sequence variant interpretation guidelines (Richards et al. 2015 PMID: 25741868, with internal and published modifications).